The following is an entry in ClinVar:

NM_003265.3(TLR3):c.17C>T (p.Pro6Leu)

Gene: TLR3 (toll like receptor 3; plus strand). Cytogenetic location: 4q35.1.
Variant type: single nucleotide variant.
Coding change: c.17C>T on transcript NM_003265.3 (MANE Select); coding-DNA position 17, C replaced by T.
Protein change: p.Pro6Leu; replaces proline 6 with leucine.
Molecular consequence: missense variant.
Genome position (GRCh38, 1-based): chr4:186,076,636, C>T. VCF-style: chr4-186076636-C-T. GRCh37 (hg19) VCF-style: chr4-186997790-C-T.
Other names: short protein forms P6L.
Identifiers: ClinVar variation 1051423 (VCV001051423.7), dbSNP rs2099302499, ClinGen allele CA359107121.

ClinVar aggregate classification (germline): Uncertain significance (1 of 4 stars; one submission).

Conditions:
Encephalopathy, acute, infection-induced (herpes-specific), susceptibility to, 1. Also called: Herpes simplex encephalitis, susceptibility to, 1. Identifiers: Orphanet 1930, MedGen C2750180, MONDO:0024563, OMIM 610551.

Allele frequency attached by ClinVar (database versions not stated): TOPMed below 0.00001.
gnomAD v4.1: 1 of 1,614,112 alleles (0.000062%); no homozygotes.

Submission:

Labcorp Genetics (formerly Invitae), Labcorp
Classification: Uncertain significance for Encephalopathy, acute, infection-induced (herpes-specific), susceptibility to, 1. Last evaluated: 2022-11-01. Review status: criteria provided, single submitter. Criteria: Invitae Variant Classification Sherloc (09022015). Collection method: clinical testing. Allele origin: germline.
Comment: Algorithms developed to predict the effect of missense changes on protein structure and function output the following: SIFT: "Tolerated"; PolyPhen-2: "Benign"; Align-GVGD: "Class C0". The leucine amino acid residue is found in multiple mammalian species, which suggests that this missense change does not adversely affect protein function. ClinVar contains an entry for this variant (Variation ID: 1051423). This variant has not been reported in the literature in individuals affected with TLR3-related conditions. This variant is not present in population databases (gnomAD no frequency). This sequence change replaces proline, which is neutral and non-polar, with leucine, which is neutral and non-polar, at codon 6 of the TLR3 protein (p.Pro6Leu). In summary, the available evidence is currently insufficient to determine the role of this variant in disease. Therefore, it has been classified as a Variant of Uncertain Significance.